The following is an entry in ClinVar:

ClinVar aggregate classification (germline): Uncertain significance (1 of 4 stars; one submission).

gnomAD v4.1: 7 of 1,585,334 alleles (0.00044%); highest among the groups gnomAD compares: Non-Finnish European, 0.0006%; no homozygotes.

Submission:

GeneDx
Classification: Uncertain significance. Last evaluated: 2024-03-26. Review status: criteria provided, single submitter. Criteria: GeneDx Variant Classification Process June 2021. Collection method: clinical testing. Allele origin: germline. Affected: yes.
Comment: Not observed at significant frequency in large population cohorts (gnomAD); Nonsense variant predicted to result in protein truncation or nonsense mediated decay in a gene or region of a gene for which loss of function is not a well-established mechanism of disease; Has not been previously published as pathogenic or benign to our knowledge

NM_013245.3(VPS4A):c.862C>T (p.Arg288Ter)

Gene: VPS4A (vacuolar protein sorting 4 homolog A; plus strand). Cytogenetic location: 16q22.1.
Variant type: single nucleotide variant.
Coding change: c.862C>T on transcript NM_013245.3 (MANE Select); coding-DNA position 862, C replaced by T.
Protein change: p.Arg288Ter; replaces arginine 288 with a stop codon.
Molecular consequence: nonsense.
Genome position (GRCh38, 1-based): chr16:69,321,061, C>T. VCF-style: chr16-69321061-C-T. GRCh37 (hg19) VCF-style: chr16-69354964-C-T.
Other names: short protein forms R288*.
Identifiers: ClinVar variation 3370899 (VCV003370899.1).
Genomic context (GRCh38, chr16:69,321,061, plus strand): 5'-TACCATTCCATCATCCGCTGTCAACTCCTGCCGTGTGCTGGGCTCTCTAGGTTTGAAAAA[C>T]GAATTTATATCCCCTTGCCGGAGGAAGCTGCCCGCGCCCAGATGTTCCGGTTGCATCTCG-3'